The following is an entry in ClinVar:

ClinVar aggregate classification (germline): Conflicting classifications of pathogenicity. Review status: criteria provided, conflicting classifications (1 of 4 stars). 5 submissions from 5 submitters: Likely pathogenic (2); Uncertain significance (2). 1 of the submissions does not count toward it. Last evaluated 2024-11-27.

Conditions:
Neu-Laxova syndrome 2. Identifiers: Orphanet 2671, Orphanet 583602, MedGen C4015019, MONDO:0014466, OMIM 616038.
PSAT1-related disorder. Also called: PSAT1-related condition; PSAT1-related disorders.

Allele frequency attached by ClinVar (database versions not stated): gnomAD exomes 0.00002 and 0.00003; ExAC 0.00003; gnomAD 0.00004 and 0.00005; TOPMed 0.00005; ESP Exome Variant Server 0.00008; 1000 Genomes Project 0.00020; 1000 Genomes Project 30x 0.00031.
gnomAD v4.1: 47 of 1,614,052 alleles (0.0029%); highest among the groups gnomAD compares: South Asian, 0.0055%; no homozygotes.

Submissions (5):

Labcorp Genetics (formerly Invitae), Labcorp
Classification: Uncertain significance for Neu-Laxova syndrome 2. Last evaluated: 2024-11-27. Review status: criteria provided, single submitter. Criteria: Invitae Variant Classification Sherloc (09022015). Collection method: clinical testing. Allele origin: germline.
Comment: This sequence change replaces threonine, which is neutral and polar, with methionine, which is neutral and non-polar, at codon 242 of the PSAT1 protein (p.Thr242Met). This variant is present in population databases (rs149101687, gnomAD 0.01%). This variant has not been reported in the literature in individuals affected with PSAT1-related conditions. ClinVar contains an entry for this variant (Variation ID: 977051). Invitae Evidence Modeling of protein sequence and biophysical properties (such as structural, functional, and spatial information, amino acid conservation, physicochemical variation, residue mobility, and thermodynamic stability) indicates that this missense variant is expected to disrupt PSAT1 protein function with a positive predictive value of 80%. Experimental studies have shown that this missense change affects PSAT1 function (PMID: 32077105). In summary, the available evidence is currently insufficient to determine the role of this variant in disease. Therefore, it has been classified as a Variant of Uncertain Significance.

Department of Genetics, Rouen University Hospital, Normandy Center for Genomic and Personalized Medicine
Classification: Likely pathogenic for Neu-Laxova syndrome 2. Last evaluated: 2024-08-12. Review status: criteria provided, single submitter. Criteria: ACMG Guidelines, 2015. Collection method: clinical testing. Allele origin: paternal. Affected: yes.

Rady Children's Institute for Genomic Medicine, Rady Children's Hospital San Diego
Classification: Likely pathogenic for PSAT1-related disorders. Last evaluated: 2023-10-02. Review status: criteria provided, single submitter. Criteria: ACMG Guidelines, 2015. Collection method: clinical testing. Allele origin: germline. Affected: yes.
Comment: The c.725C>T (p.Thr242Met) variant affects a highly conserved amino acid and is predicted by multiple in silico tools to have a deleterious effect on protein function. This variant has not been previously reported, in a patient, in the literature to our knowledge. Functional studies have confirmed this variant leads to reduced phosphoserine aminotransferase activity (PMID: 32077105). The c.725C>T (p.Thr242Met) variant is present in the heterozygous state in the gnomAD population database at a frequency of 0.002% (6/251440), and is absent in the homozygous state, thus is presumed to be rare. Based on the available evidence, c.725C>T (p.Thr242Met) is classified as a Likely Pathogenic.

Blueprint Genetics
Classification: Uncertain significance. Last evaluated: 2022-12-16. Review status: criteria provided, single submitter. Criteria: ACMG Guidelines, 2015. Collection method: clinical testing. Allele origin: germline.

Dudley Research Group, Pacific Northwest Research Institute
No classification provided. Review status: no classification provided. Collection method: research, in vivo. Allele origin: unknown, not applicable. Functional consequence: loss_of_function_variant. Not counted in ClinVar's aggregate classification.

Literature cited by the submitters: PubMed 32077105 (cited by Labcorp Genetics (formerly Invitae), Labcorp and Rady Children's Institute for Genomic Medicine, Rady Children's Hospital San Diego).

NM_058179.4(PSAT1):c.725C>T (p.Thr242Met)

Gene: PSAT1 (phosphoserine aminotransferase 1; plus strand). Cytogenetic location: 9q21.2.
Variant type: single nucleotide variant.
Coding change: c.725C>T on transcript NM_058179.4 (MANE Select); coding-DNA position 725, C replaced by T.
Protein change: p.Thr242Met; replaces threonine 242 with methionine.
Molecular consequence: missense variant.
Genome position (GRCh38, 1-based): chr9:78,308,568, C>T. VCF-style: chr9-78308568-C-T. GRCh37 (hg19) VCF-style: chr9-80923484-C-T.
Other names: c.725C>T, p.Thr242Met (NM_021154.5); c.725C>T (NM_058179.3); short protein forms T242M.
Identifiers: ClinVar variation 977051 (VCV000977051.12), dbSNP rs149101687, ClinGen allele CA5095697.
Genomic context (GRCh38, chr9:78,308,568, plus strand): 5'-GAGAGTGCCCCTCGGTCCTGGAATACAAGGTGCAGGCTGGAAACAGCTCCTTGTACAACA[C>T]GCCTCCATGTTTCAGGTAACTCTGGGAGTCAGTCTTGTGGACCCAGGGAGGGGTCTCACT-3'
Protein context (NP_478059.1, residues 232-252): VQAGNSSLYN[Thr242Met]PPCFSIYVMG